The following is an entry in ClinVar:

NM_007294.4(BRCA1):c.134+5G>A

Gene: BRCA1 (BRCA1 DNA repair associated; minus strand). Cytogenetic location: 17q21.31.
Variant type: single nucleotide variant.
Coding change: c.134+5G>A on transcript NM_007294.4 (MANE Select); 5 bases into the intron after coding-DNA position 134, G replaced by A.
Molecular consequence: intron variant.
Genome position (GRCh38, 1-based): chr17:43,115,721, C>T on the plus strand (G>A on the coding strand, the complement: BRCA1 is on the minus strand). VCF-style: chr17-43115721-C-T. GRCh37 (hg19) VCF-style: chr17-41267738-C-T.
Other names: IVS3+5G>A; c.134+5G>A (NM_001407637.1, NM_001407860.1, NM_001407611.1 and 191 more transcripts); c.-286+5G>A (NM_001407965.1); c.-124+5G>A (NM_001407930.1, NM_001407843.1, NM_001408456.1 and 13 more transcripts); c.-128+5G>A (NM_001408465.1, NM_001407695.1); c.-55+5G>A (NM_001408482.1, NM_001407954.1, NM_001407896.1 and 52 more transcripts); c.-8+5G>A (NM_001407920.1, NM_001408504.1, NM_001408463.1 and 47 more transcripts); c.-8+5837G>A (NM_001407751.1, NM_001407726.1); and 11 more.
Identifiers: ClinVar variation 91548 (VCV000091548.21), dbSNP rs80358038, ClinGen allele CA000886.

ClinVar aggregate classification (germline): Pathogenic/Likely pathogenic. Review status: criteria provided, multiple submitters, no conflicts (2 of 4 stars). 6 submissions from 6 submitters: Pathogenic (2); Likely pathogenic (2). 2 of the submissions do not count toward it. Last evaluated 2025-09-27.

Conditions:
Hereditary cancer-predisposing syndrome. Also called: Hereditary Cancer Syndrome; Hereditary neoplastic syndrome; Neoplastic Syndromes, Hereditary; Tumor predisposition. Identifiers: Orphanet 140162, MedGen C0027672, MeSH D009386, MONDO:0015356.
Breast-ovarian cancer, familial, susceptibility to, 1 (BROVCA1). Also called: BRCA1 Hereditary Breast and Ovarian Cancer; OVARIAN CANCER, SUSCEPTIBILITY TO. Identifiers: Orphanet 145, MedGen C2676676, MONDO:0011450, OMIM 604370. Disease mechanism: loss of function.
Familial cancer of breast. Also called: hereditary breast carcinoma; BREAST CANCER, FAMILIAL; Hereditary breast cancer. Identifiers: Orphanet 227535, MedGen C0346153, MONDO:0016419, OMIM 114480. Disease mechanism: loss of function.
Fanconi anemia, complementation group S (FANCS). Identifiers: MedGen C4554406, MONDO:0054748, OMIM 617883.
Hereditary breast ovarian cancer syndrome. Also called: BRCA1- and BRCA2-Associated Hereditary Breast and Ovarian Cancer; Hereditary breast and ovarian cancer syndrome; Hereditary breast and ovarian cancer syndrome (HBOC); Breast and ovarian cancer; Hereditary breast and/or ovarian cancer syndrome; Hereditary breast and ovarian cancer. Identifiers: Orphanet 145, MedGen C0677776, MeSH D061325, MONDO:0003582. Disease mechanism: loss of function.

Submissions (7):

Labcorp Genetics (formerly Invitae), Labcorp
Classification: Likely pathogenic for Hereditary breast ovarian cancer syndrome. Last evaluated: 2025-09-27. Review status: criteria provided, single submitter. Criteria: Invitae Variant Classification Sherloc (09022015). Collection method: clinical testing. Allele origin: germline.
Comment: This sequence change falls in intron 3 of the BRCA1 gene. It does not directly change the encoded amino acid sequence of the BRCA1 protein. It affects a nucleotide within the consensus splice site. This variant is not present in population databases (gnomAD no frequency). This variant has been observed in individual(s) with pancreatic ductal adenocarcinoma (PMID: 10923033, 30274973). ClinVar contains an entry for this variant (Variation ID: 91548). Algorithms developed to predict the effect of variants on gene product structure and function are not available or were not evaluated for this variant. Experimental studies have shown that this variant affects BRCA1 function (PMID: 30209399). Variants that disrupt the consensus splice site are a relatively common cause of aberrant splicing (PMID: 17576681, 9536098). Algorithms developed to predict the effect of sequence changes on RNA splicing suggest that this variant may disrupt the consensus splice site. This variant disrupts the c.134+5G nucleotide in the BRCA1 gene. Other variant(s) that disrupt this nucleotide have been determined to be pathogenic (PMID: 29280214, 30209399). This suggests that this nucleotide is clinically significant, and that variants that disrupt this position are likely to be disease-causing. In summary, the currently available evidence indicates that the variant is pathogenic, but additional data are needed to prove that conclusively. Therefore, this variant has been classified as Likely Pathogenic.

Ambry Genetics
Classification: Pathogenic for Hereditary cancer-predisposing syndrome. Last evaluated: 2025-05-01. Review status: criteria provided, single submitter. Criteria: Ambry Variant Classification Scheme 2023. Collection method: clinical testing. Allele origin: germline.
Comment: The c.134+5G>A intronic pathogenic mutation results from a G to A substitution 5 nucleotides after coding exon 2 in the BRCA1 gene. This nucleotide position is highly conserved in available vertebrate species. In silico splice site analysis predicts that this alteration will weaken the native splice donor site. RNA studies have demonstrated that this alteration results in abnormal splicing in the set of samples tested (Ambry internal data). One functional study found all substitutions at this nucleotide position are non-functional in a high-throughput, genome editing, haploid cell survival assay (Findlay GM et al. Nature, 2018 10;562:217-222). In addition, a variant at the same nucleotide position, BRCA1 c.134+5G>T, causes skipping of of coding exon 2 (also called exon 3 in the literature: Baert A et al. Hum. Mutat., 2018 04;39:515-526). Based on the supporting evidence, this alteration is interpreted as a disease-causing mutation.

Department of Pathology and Laboratory Medicine, Sinai Health System
Classification: Pathogenic for Familial cancer of breast; Breast-ovarian cancer, familial, susceptibility to, 1; Fanconi anemia, complementation group S. Last evaluated: 2024-11-29. Review status: criteria provided, single submitter. Criteria: ACMG Guidelines, 2015. Collection method: clinical testing. Allele origin: germline.

Quest Diagnostics Nichols Institute San Juan Capistrano
Classification: Likely pathogenic. Last evaluated: 2023-04-06. Review status: criteria provided, single submitter. Criteria: Quest Diagnostics criteria. Collection method: clinical testing. Allele origin: unknown.
Comment: This variant has not been reported in large, multi-ethnic general populations. In the published literature, the variant has been reported in an individual affected with pancreatic cancer (PMID: 30274973 (2018)). Analysis of the variant using software algorithms for the prediction of the effect of nucleotide changes on splicing yielded predictions that this variant may affect proper BRCA1 mRNA splicing . The variant is predicted to interfere with normal BRCA1 mRNA splicing (personal communication Ambry Genetics), and a functional study described the variant as causing loss of function due to the lack of cell survival (PMID: 30209399 (2018)). In addition, a related G>T variant at this same position in the intron was shown to affect splicing (PMID: 29280214 (2018), 36446827 (2023)). Based on the available information, the c.134+5G>A variant is classified as likely pathogenic.

Sharing Clinical Reports Project (SCRP)
Classification: Likely pathogenic for Breast-ovarian cancer, familial 1. Last evaluated: 2009-07-17. Review status: no assertion criteria provided. Collection method: clinical testing. Allele origin: germline. Not counted in ClinVar's aggregate classification.

Breast Cancer Information Core (BIC) (BRCA1)
Classification: Uncertain significance for Breast-ovarian cancer, familial 1. Last evaluated: 2004-11-25. Review status: no assertion criteria provided. Collection method: clinical testing. Allele origin: germline. Affected: yes. Observed: 1 variant allele. Not counted in ClinVar's aggregate classification.

Brotman Baty Institute, University of Washington
No classification provided (evidence only). Condition: Breast-ovarian cancer, familial 1. Review status: no classification provided. Collection method: in vitro. Allele origin: not applicable. Functional consequence: functionally_abnormal. Not counted in ClinVar's aggregate classification.
ClinVar note: "not provided" was previously submitted as the classification for the variant. However, the classification appeared to be based only on an observation of functional data so it was converted to no classification on 2025-07-30.

Literature cited by the submitters: PubMed 10923033 (cited by Labcorp Genetics (formerly Invitae), Labcorp); PubMed 30274973 (cited by 3 submitters); PubMed 30209399 (cited by 4 submitters); PubMed 17576681 (cited by Labcorp Genetics (formerly Invitae), Labcorp); PubMed 9536098 (cited by Labcorp Genetics (formerly Invitae), Labcorp); PubMed 29280214 (cited by 3 submitters); PubMed 36446827 (cited by Quest Diagnostics Nichols Institute San Juan Capistrano); PubMed 35864222 (cited by Quest Diagnostics Nichols Institute San Juan Capistrano).